The following is an entry in ClinVar:

NM_006766.5(KAT6A):c.4297C>T (p.Gln1433Ter)

Gene: KAT6A (lysine acetyltransferase 6A; minus strand). Cytogenetic location: 8p11.21.
Variant type: single nucleotide variant.
Coding change: c.4297C>T on transcript NM_006766.5 (MANE Select); coding-DNA position 4297, C replaced by T.
Protein change: p.Gln1433Ter; replaces glutamine 1433 with a stop codon.
Molecular consequence: nonsense.
Genome position (GRCh38, 1-based): chr8:41,933,923, G>A on the plus strand (C>T on the coding strand, the complement: KAT6A is on the minus strand). VCF-style: chr8-41933923-G-A. GRCh37 (hg19) VCF-style: chr8-41791441-G-A.
Other names: short protein forms Q1433*.
Identifiers: ClinVar variation 2227868 (VCV002227868.3), dbSNP rs2486755415, ClinGen allele CA371066268.

ClinVar aggregate classification (germline): Pathogenic/Likely pathogenic. Review status: criteria provided, multiple submitters, no conflicts (2 of 4 stars). 2 submissions from 2 submitters: Pathogenic (1); Likely pathogenic (1). Last evaluated 2020-11-06.

Conditions:
Autosomal dominant intellectual disability-craniofacial anomalies-cardiac defects syndrome (ARTHS). Also called: Mental retardation, autosomal dominant 32; Arboleda-Tham syndrome; KAT6A syndrome. Identifiers: Orphanet 457193, MedGen C4225396, MONDO:0014558, OMIM 616268.
Inborn genetic diseases. Identifiers: MedGen C0950123, MeSH D030342.

Submissions (2):

Ambry Genetics
Classification: Pathogenic for Inborn genetic diseases. Last evaluated: 2020-11-06. Review status: criteria provided, single submitter. Criteria: Ambry Variant Classification Scheme 2023. Collection method: clinical testing. Allele origin: germline.
Comment: The c.4297C>T (p.Q1433*) alteration, located in exon 17 (coding exon 16) of the KAT6A gene, consists of a C to T substitution at nucleotide position 4297. This changes the amino acid from a glutamine (Q) to a stop codon at amino acid position 1433. This alteration occurs at the 3' terminus of the KAT6A gene, is not expected to trigger nonsense-mediated mRNA decay, and impacts the last 25% of the protein. However, premature stop codons are typically deleterious in nature and a significant portion of the protein is affected (Ambry internal data). Based on data from the Genome Aggregation Database (gnomAD), the KAT6A c.4297C>T alteration was not observed, with coverage at this position. Based on the available evidence, this alteration is classified as pathogenic.

3billion
Classification: Likely pathogenic for Autosomal dominant intellectual disability-craniofacial anomalies-cardiac defects syndrome. Review status: criteria provided, single submitter. Criteria: ACMG Guidelines, 2015. Collection method: clinical testing. Allele origin: unknown. Affected: yes. Observed: 1 heterozygote.
Comment: The variant is not observed in the gnomAD v2.1.1 dataset. The variant is predicted to result in a loss or disruption of normal protein function through protein truncation. The predicted truncated protein may be shortened by more than 10%. Therefore, this variant is classified as Likely pathogenic according to the recommendation of ACMG/AMP guideline.